The following is an entry in ClinVar:

ClinVar aggregate classification (germline): Uncertain significance. Review status: criteria provided, multiple submitters, no conflicts (2 of 4 stars). 2 submissions from 2 submitters: Uncertain significance (2). Last evaluated 2022-05-31.

Conditions:
LAMA2-related muscular dystrophy (LAMA2-RD). Also called: Laminin alpha 2-related dystrophy. Identifiers: MedGen C5679788, MONDO:0100228.

Allele frequency attached by ClinVar (database versions not stated): gnomAD exomes below 0.00001.
gnomAD v4.1: 1 of 1,613,590 alleles (0.000062%); highest among the groups gnomAD compares: Non-Finnish European, 0.000085%; no homozygotes.

Submissions (2):

Labcorp Genetics (formerly Invitae), Labcorp
Classification: Uncertain significance for LAMA2-related muscular dystrophy. Last evaluated: 2022-05-31. Review status: criteria provided, single submitter. Criteria: Invitae Variant Classification Sherloc (09022015). Collection method: clinical testing. Allele origin: germline.
Comment: This sequence change replaces isoleucine, which is neutral and non-polar, with threonine, which is neutral and polar, at codon 2255 of the LAMA2 protein (p.Ile2255Thr). This variant is not present in population databases (gnomAD no frequency). This variant has not been reported in the literature in individuals affected with LAMA2-related conditions. ClinVar contains an entry for this variant (Variation ID: 586121). Advanced modeling of protein sequence and biophysical properties (such as structural, functional, and spatial information, amino acid conservation, physicochemical variation, residue mobility, and thermodynamic stability) performed at Invitae indicates that this missense variant is not expected to disrupt LAMA2 protein function. In summary, the available evidence is currently insufficient to determine the role of this variant in disease. Therefore, it has been classified as a Variant of Uncertain Significance.

Athena Diagnostics
Classification: Uncertain significance. Last evaluated: 2018-07-03. Review status: criteria provided, single submitter. Criteria: Athena Diagnostics Criteria. Collection method: clinical testing. Allele origin: germline.

NM_000426.4(LAMA2):c.6764T>C (p.Ile2255Thr)

Gene: LAMA2 (laminin subunit alpha 2; plus strand). Cytogenetic location: 6q22.33.
Variant type: single nucleotide variant.
Coding change: c.6764T>C on transcript NM_000426.4 (MANE Select); coding-DNA position 6764, T replaced by C.
Protein change: p.Ile2255Thr; replaces isoleucine 2255 with threonine.
Molecular consequence: missense variant.
Genome position (GRCh38, 1-based): chr6:129,456,391, T>C. VCF-style: chr6-129456391-T-C. GRCh37 (hg19) VCF-style: chr6-129777536-T-C.
Other names: c.6764T>C, p.Ile2255Thr (NM_001079823.2); short protein forms I2255T.
Identifiers: ClinVar variation 586121 (VCV000586121.7), dbSNP rs951339046, ClinGen allele CA146885721.